The following is an entry in ClinVar:

NM_014384.3(ACAD8):c.235C>G (p.Arg79Gly)

Gene: ACAD8 (acyl-CoA dehydrogenase family member 8; plus strand). Cytogenetic location: 11q25.
Variant type: single nucleotide variant.
Coding change: c.235C>G on transcript NM_014384.3 (MANE Select); coding-DNA position 235, C replaced by G.
Protein change: p.Arg79Gly; replaces arginine 79 with glycine.
Molecular consequence: missense variant.
Genome position (GRCh38, 1-based): chr11:134,257,112, C>G. VCF-style: chr11-134257112-C-G. GRCh37 (hg19) VCF-style: chr11-134127006-C-G.
Other names: c.235C>G (NM_014384.2); short protein forms R79G.
Identifiers: ClinVar variation 1428276 (VCV001428276.7), dbSNP rs377629003, ClinGen allele CA6372884.

ClinVar aggregate classification (germline): Uncertain significance. Review status: criteria provided, multiple submitters, no conflicts (2 of 4 stars). 3 submissions from 3 submitters: Uncertain significance (3). Last evaluated 2025-12-18.

Conditions:
Deficiency of isobutyryl-CoA dehydrogenase. Also called: ACYL-CoA DEHYDROGENASE FAMILY, MEMBER 8, DEFICIENCY OF; ACAD8 DEFICIENCY; IBD DEFICIENCY. Identifiers: Orphanet 79159, MedGen C1969809, MONDO:0012648, OMIM 611283.

gnomAD v4.1: 4 of 1,614,122 alleles (0.00025%); highest among the groups gnomAD compares: East Asian, 0.0067%; no homozygotes.

Submissions (3):

Labcorp Genetics (formerly Invitae), Labcorp
Classification: Uncertain significance for Deficiency of isobutyryl-CoA dehydrogenase. Last evaluated: 2025-12-18. Review status: criteria provided, single submitter. Criteria: Invitae Variant Classification Sherloc (09022015). Collection method: clinical testing. Allele origin: germline.
Comment: This sequence change replaces arginine, which is basic and polar, with glycine, which is neutral and non-polar, at codon 79 of the ACAD8 protein (p.Arg79Gly). This variant is present in population databases (rs377629003, gnomAD 0.02%). This missense change has been observed in individual(s) with isobutyryl-CoA dehydrogenase deficiency (PMID: 30253142; internal data). ClinVar contains an entry for this variant (Variation ID: 1428276). Invitae Evidence Modeling of protein sequence and biophysical properties (such as structural, functional, and spatial information, amino acid conservation, physicochemical variation, residue mobility, and thermodynamic stability) has been performed for this missense variant. However, the output from this modeling did not meet the statistical confidence thresholds required to predict the impact of this variant on ACAD8 protein function. This variant disrupts the p.Arg79 amino acid residue in ACAD8. Other variant(s) that disrupt this residue have been determined to be pathogenic (internal data). This suggests that this residue is clinically significant, and that variants that disrupt this residue are likely to be disease-causing. In summary, the available evidence is currently insufficient to determine the role of this variant in disease. Therefore, it has been classified as a Variant of Uncertain Significance.

Fulgent Genetics
Classification: Uncertain significance for Deficiency of isobutyryl-CoA dehydrogenase. Last evaluated: 2022-05-10. Review status: criteria provided, single submitter. Criteria: ACMG Guidelines, 2015. Collection method: clinical testing. Allele origin: unknown.

Revvity Omics, Revvity
Classification: Uncertain significance for Deficiency of isobutyryl-CoA dehydrogenase. Last evaluated: 2022-04-26. Review status: criteria provided, single submitter. Criteria: ACMG Guidelines, 2015. Collection method: clinical testing. Allele origin: germline.

Literature cited by the submitters: PubMed 30253142 (cited by Labcorp Genetics (formerly Invitae), Labcorp).